The following is an entry in ClinVar:

ClinVar aggregate classification (germline): Uncertain significance (1 of 4 stars; one submission).

Conditions:
Ichthyosis vulgaris. Also called: ICHTHYOSIS SIMPLEX; Dominant ichthyosis vulgaris. Identifiers: MedGen C0079584, MONDO:0024304, OMIM 146700.

Allele frequency attached by ClinVar (database versions not stated): gnomAD 0.00001 and 0.00003; TOPMed 0.00003.
gnomAD v4.1: 75 of 1,614,128 alleles (0.0046%); highest among the groups gnomAD compares: Middle Eastern, 0.033%; no homozygotes.

Submission:

Baylor Genetics
Classification: Uncertain significance for Ichthyosis vulgaris. Last evaluated: 2018-12-23. Review status: criteria provided, single submitter. Criteria: ACMG Guidelines, 2015. Collection method: clinical testing. Allele origin: paternal. Affected: yes.
Comment: This variant was determined to be of uncertain significance according to ACMG Guidelines, 2015 [PMID:25741868].

NM_002016.2(FLG):c.4966C>T (p.Arg1656Cys)

Genes: FLG (filaggrin; minus strand), CCDST (cervical cancer associated DHX9 suppressive transcript; plus strand). Cytogenetic location: 1q21.3.
Variant type: single nucleotide variant.
Coding change: c.4966C>T on transcript NM_002016.2 (MANE Select); coding-DNA position 4966, C replaced by T.
Protein change: p.Arg1656Cys; replaces arginine 1656 with cysteine.
Molecular consequence: missense variant.
Genome position (GRCh38, 1-based): chr1:152,309,920, G>A on the plus strand (C>T on the coding strand, the complement: FLG is on the minus strand). VCF-style: chr1-152309920-G-A. GRCh37 (hg19) VCF-style: chr1-152282396-G-A.
Other names: short protein forms R1656C.
Identifiers: ClinVar variation 1032024 (VCV001032024.1), dbSNP rs775926509, ClinGen allele CA1105980.